The following is an entry in ClinVar:

NM_016955.4(SEPSECS):c.766G>T (p.Gly256Ter)

Gene: SEPSECS (Sep (O-phosphoserine) tRNA:Sec (selenocysteine) tRNA synthase; minus strand). Cytogenetic location: 4p15.2.
Variant type: single nucleotide variant.
Coding change: c.766G>T on transcript NM_016955.4 (MANE Select); coding-DNA position 766, G replaced by T.
Protein change: p.Gly256Ter; replaces glycine 256 with a stop codon.
Molecular consequence: nonsense.
Genome position (GRCh38, 1-based): chr4:25,151,998, C>A on the plus strand (G>T on the coding strand, the complement: SEPSECS is on the minus strand). VCF-style: chr4-25151998-C-A. GRCh37 (hg19) VCF-style: chr4-25153620-C-A.
Other names: short protein forms G256*.
Identifiers: ClinVar variation 620464 (VCV000620464.15), dbSNP rs779387647, ClinGen allele CA2877358.

ClinVar aggregate classification (germline): Conflicting classifications of pathogenicity. Review status: criteria provided, conflicting classifications (1 of 4 stars). 5 submissions from 5 submitters: Pathogenic (1); Likely pathogenic (3); Uncertain significance (1). Last evaluated 2026-01-15.

Conditions:
Pontocerebellar hypoplasia type 2D (PCH2D). Also called: Progressive cerebello-cerebral atrophy. Identifiers: Orphanet 247198, Orphanet 2524, MedGen C3151140, MONDO:0013438, OMIM 613811.

Allele frequency attached by ClinVar (database versions not stated): gnomAD 0.00001; gnomAD exomes 0.00001; ExAC 0.00002; TOPMed 0.00003.
gnomAD v4.1: 12 of 1,602,104 alleles (0.00075%); highest among the groups gnomAD compares: African/African-American, 0.008%; no homozygotes.

Submissions (5):

Natera, Inc.
Classification: Likely pathogenic for Pontocerebellar hypoplasia type 2d. Last evaluated: 2026-01-15. Review status: criteria provided, single submitter. Criteria: Natera Variant Classification Schema (03/2026). Collection method: clinical testing. Allele origin: germline.
Comment: The c.766G>T variant in SEPSECS is a nonsense variant predicted to introduce a stop codon at amino acid 256. This variant is expected to result in nonsense mediated decay, truncation, or a dysfunctional protein product. This variant is rare in the general population with a frequency below the threshold expected for the associated phenotype(s). Given the available evidence, this variant is classified as Likely Pathogenic.

Myriad Genetics, Inc.
Classification: Likely pathogenic for Pontocerebellar hypoplasia type 2D. Last evaluated: 2026-01-14. Review status: criteria provided, single submitter. Criteria: Myriad Autosomal Dominant, Autosomal Recessive and X-Linked Classification Criteria (2023). Collection method: clinical testing. Allele origin: unknown.
Comment: NM_016955.3(SEPSECS):c.766G>T(G256*) is a nonsense variant classified as likely pathogenic in the context of pontocerebellar hypoplasia, SEPSECS-related. G256* has not been observed in cases with relevant disease. Relevant functional assessments of this variant are not available in the literature. G256* has been observed in referenced population frequency databases. In summary, NM_016955.3(SEPSECS):c.766G>T(G256*) is a nonsense variant in a gene where loss of function is a known mechanism of disease and is predicted to disrupt protein function. Please note: this variant was assessed in the context of healthy population screening.

Labcorp Genetics (formerly Invitae), Labcorp
Classification: Pathogenic. Last evaluated: 2025-12-28. Review status: criteria provided, single submitter. Criteria: Invitae Variant Classification Sherloc (09022015). Collection method: clinical testing. Allele origin: germline.
Comment: This sequence change creates a premature translational stop signal (p.Gly256*) in the SEPSECS gene. It is expected to result in an absent or disrupted protein product. Loss-of-function variants in SEPSECS are known to be pathogenic (PMID: 25558065, 25590979, 26115735). This variant is present in population databases (rs779387647, gnomAD 0.01%). This variant has not been reported in the literature in individuals affected with SEPSECS-related conditions. ClinVar contains an entry for this variant (Variation ID: 620464). Algorithms developed to predict the effect of sequence changes on RNA splicing suggest that this variant may disrupt the consensus splice site. For these reasons, this variant has been classified as Pathogenic.

GeneDx
Classification: Uncertain significance. Last evaluated: 2025-09-16. Review status: criteria provided, single submitter. Criteria: GeneDx Variant Classification Process June 2021. Collection method: clinical testing. Allele origin: germline. Affected: yes.
Comment: Nonsense variant predicted to result in protein truncation or nonsense mediated decay in a gene for which loss of function is a known mechanism of disease; Has not been previously published as pathogenic or benign in association with SEPSECS-related pontocerebellar hypoplasia to our knowledge; This variant is associated with the following publications: (PMID: Shrestha2025[Case Report])

Fulgent Genetics
Classification: Likely pathogenic for Pontocerebellar hypoplasia type 2D. Last evaluated: 2024-01-03. Review status: criteria provided, single submitter. Criteria: ACMG Guidelines, 2015. Collection method: clinical testing. Allele origin: germline.

Literature cited by the submitters: PubMed 25558065 (cited by Labcorp Genetics (formerly Invitae), Labcorp); PubMed 25590979 (cited by Labcorp Genetics (formerly Invitae), Labcorp); PubMed 26115735 (cited by Labcorp Genetics (formerly Invitae), Labcorp).